The following is an entry in ClinVar:

ClinVar aggregate classification (germline): Likely benign (0 of 4 stars; one submission).

Conditions:
AUTS2-related disorder. Also called: AUTS2-related condition.

Submission:

PreventionGenetics, part of Exact Sciences
Classification: Likely benign for AUTS2-related condition. Last evaluated: 2019-05-28. Review status: no assertion criteria provided. Collection method: clinical testing. Allele origin: germline.
Comment: This variant is classified as likely benign based on ACMG/AMP sequence variant interpretation guidelines (Richards et al. 2015 PMID: 25741868, with internal and published modifications).

NM_015570.4(AUTS2):c.2147-8C>T

Gene: AUTS2 (activator of transcription and developmental regulator AUTS2; plus strand). Cytogenetic location: 7q11.22.
Variant type: single nucleotide variant.
Coding change: c.2147-8C>T on transcript NM_015570.4 (MANE Select); 8 bases into the intron before coding-DNA position 2147, C replaced by T.
Molecular consequence: intron variant.
Genome position (GRCh38, 1-based): chr7:70,784,934, C>T. VCF-style: chr7-70784934-C-T. GRCh37 (hg19) VCF-style: chr7-70249920-C-T.
Other names: c.2075-8C>T (NM_001127231.3).
Identifiers: ClinVar variation 3044514 (VCV003044514.2), dbSNP rs2484903871, ClinGen allele CA2740097371.
Genomic context (GRCh38, chr7:70,784,934, plus strand): 5'-TAGAAGCCGGTTGCATCTTCGAAGTTGGCTTTTTGTAAACTCTGGTTTCGTTATGTTTGA[C>T]TTAACAGGTGCTGCACACCCAACTGGGACCCCTTTTGGGCCACCTCCTCATCACAGCAAC-3'